The following is an entry in ClinVar:

NM_000260.4(MYO7A):c.6418C>G (p.Leu2140Val)

Gene: MYO7A (myosin VIIA; plus strand). Cytogenetic location: 11q13.5.
Variant type: single nucleotide variant.
Coding change: c.6418C>G on transcript NM_000260.4 (MANE Select); coding-DNA position 6418, C replaced by G.
Protein change: p.Leu2140Val; replaces leucine 2140 with valine.
Molecular consequence: missense variant.
Genome position (GRCh38, 1-based): chr11:77,213,015, C>G. VCF-style: chr11-77213015-C-G. GRCh37 (hg19) VCF-style: chr11-76924060-C-G.
Other names: c.6418C>G (NM_000260.3); c.6298C>G, p.Leu2100Val (NM_001127180.2); c.6271C>G, p.Leu2091Val (NM_001369365.1); short protein forms L2091V, L2140V, L2100V.
Identifiers: ClinVar variation 1409360 (VCV001409360.9), dbSNP rs774125413, ClinGen allele CA6199057.

ClinVar aggregate classification (germline): Uncertain significance. Review status: criteria provided, multiple submitters, no conflicts (2 of 4 stars). 3 submissions from 3 submitters: Uncertain significance (3). Last evaluated 2024-11-03.

Conditions:
Inborn genetic diseases. Identifiers: MedGen C0950123, MeSH D030342.

Allele frequency attached by ClinVar (database versions not stated): gnomAD exomes below 0.00001; ExAC 0.00003; gnomAD 0.00003; TOPMed 0.00004.
gnomAD v4.1: 8 of 1,583,984 alleles (0.00051%); highest among the groups gnomAD compares: African/African-American, 0.011%; no homozygotes.

Submissions (3):

Labcorp Genetics (formerly Invitae), Labcorp
Classification: Uncertain significance. Last evaluated: 2024-11-03. Review status: criteria provided, single submitter. Criteria: Invitae Variant Classification Sherloc (09022015). Collection method: clinical testing. Allele origin: germline.
Comment: This sequence change replaces leucine, which is neutral and non-polar, with valine, which is neutral and non-polar, at codon 2140 of the MYO7A protein (p.Leu2140Val). The frequency data for this variant in the population databases is considered unreliable, as metrics indicate poor data quality at this position in the gnomAD database. This variant has not been reported in the literature in individuals affected with MYO7A-related conditions. ClinVar contains an entry for this variant (Variation ID: 1409360). Invitae Evidence Modeling of protein sequence and biophysical properties (such as structural, functional, and spatial information, amino acid conservation, physicochemical variation, residue mobility, and thermodynamic stability) indicates that this missense variant is not expected to disrupt MYO7A protein function with a negative predictive value of 95%. In summary, the available evidence is currently insufficient to determine the role of this variant in disease. Therefore, it has been classified as a Variant of Uncertain Significance.

Ambry Genetics
Classification: Uncertain significance for Inborn genetic diseases. Last evaluated: 2023-04-27. Review status: criteria provided, single submitter. Criteria: Ambry Variant Classification Scheme 2023. Collection method: clinical testing. Allele origin: germline.

GeneDx
Classification: Uncertain significance. Last evaluated: 2023-03-30. Review status: criteria provided, single submitter. Criteria: GeneDx Variant Classification Process June 2021. Collection method: clinical testing. Allele origin: germline. Affected: yes.
Comment: Not observed at significant frequency in large population cohorts (gnomAD); In silico analysis supports that this missense variant does not alter protein structure/function; Has not been previously published as pathogenic or benign to our knowledge